The following is an entry in ClinVar:

NM_019098.5(CNGB3):c.1782-2A>G

Gene: CNGB3 (cyclic nucleotide gated channel subunit beta 3; minus strand). Cytogenetic location: 8q21.3.
Variant type: single nucleotide variant.
Coding change: c.1782-2A>G on transcript NM_019098.5 (MANE Select); the canonical splice acceptor site of the intron before coding-DNA position 1782, A replaced by G.
Molecular consequence: splice acceptor variant.
Genome position (GRCh38, 1-based): chr8:86,579,254, T>C on the plus strand (A>G on the coding strand, the complement: CNGB3 is on the minus strand). VCF-style: chr8-86579254-T-C. GRCh37 (hg19) VCF-style: chr8-87591482-T-C.
Identifiers: ClinVar variation 3544495 (VCV003544495.1).
Genomic context (GRCh38, chr8:86,579,254, plus strand): 5'-CAAACCCGTGGGCCACCACATTGGCAGTTCGACGGTTTCCTCCTCCTGCTGCTAGAAGGC[T>C]GTAAGAGAGAAAAATGAGTCTTTGCCACCAGTTTCAGTTTTCCTCCACTGAAATCTCTTT-3'

ClinVar aggregate classification (germline): Pathogenic (1 of 4 stars; one submission).

Conditions:
Achromatopsia. Also called: Rod monochromatism. Identifiers: Orphanet 49382, MedGen C0152200, MONDO:0018852, HP:0011516.

Submission:

Lab De Baere, Eye and Developmental Genetics Lab, Ghent University
Classification: Pathogenic for Achromatopsia. Last evaluated: 2024-10-01. Review status: criteria provided, single submitter. Criteria: ACMG Guidelines, 2015. Collection method: research. Allele origin: inherited. Affected: yes. Observed: 1 variant allele.
Comment: ACMG/AMP guidelines: PM2, PVS1, PP1, PM3_PP